The following is an entry in ClinVar:

ClinVar aggregate classification (germline): Conflicting classifications of pathogenicity. Review status: criteria provided, conflicting classifications (1 of 4 stars). 2 submissions from 2 submitters: Uncertain significance (1); Likely benign (1). Last evaluated 2025-01-30.

Conditions:
Tumor predisposition syndrome 3 (TPDS3). Also called: Melanoma, cutaneous malignant, susceptibility to, 10; Glioma susceptibility 9; LONG TELOMERE SYNDROME, POT1-RELATED; POT1 Tumor Predisposition. Identifiers: Orphanet 618, MedGen C4014476, MONDO:0014368, OMIM 615848.
Hereditary cancer-predisposing syndrome. Also called: Tumor predisposition; Neoplastic Syndromes, Hereditary; Hereditary Cancer Syndrome; Hereditary neoplastic syndrome. Identifiers: Orphanet 140162, MedGen C0027672, MeSH D009386, MONDO:0015356.

gnomAD v4.1: 1 of 1,595,530 alleles (0.000063%); highest among the groups gnomAD compares: Non-Finnish European, 0.000085%; no homozygotes.

Submissions (2):

Ambry Genetics
Classification: Likely benign for Hereditary cancer-predisposing syndrome. Last evaluated: 2025-01-30. Review status: criteria provided, single submitter. Criteria: Ambry Variant Classification Scheme 2023. Collection method: clinical testing. Allele origin: germline.

Labcorp Genetics (formerly Invitae), Labcorp
Classification: Uncertain significance for Tumor predisposition syndrome 3. Last evaluated: 2021-04-28. Review status: criteria provided, single submitter. Criteria: Invitae Variant Classification Sherloc (09022015). Collection method: clinical testing. Allele origin: germline.
Comment: This variant has not been reported in the literature in individuals with POT1-related disease. In summary, the available evidence is currently insufficient to determine the role of this variant in disease. Therefore, it has been classified as a Variant of Uncertain Significance. Algorithms developed to predict the effect of missense changes on protein structure and function (SIFT, PolyPhen-2, Align-GVGD) all suggest that this variant is likely to be tolerated, but these predictions have not been confirmed by published functional studies and their clinical significance is uncertain. This variant is not present in population databases (ExAC no frequency). This sequence change replaces leucine with phenylalanine at codon 387 of the POT1 protein (p.Leu387Phe). The leucine residue is weakly conserved and there is a small physicochemical difference between leucine and phenylalanine.

NM_015450.3(POT1):c.1161G>T (p.Leu387Phe)

Gene: POT1 (protection of telomeres 1; minus strand). Cytogenetic location: 7q31.33.
Variant type: single nucleotide variant.
Coding change: c.1161G>T on transcript NM_015450.3 (MANE Select); coding-DNA position 1161, G replaced by T.
Protein change: p.Leu387Phe; replaces leucine 387 with phenylalanine.
Molecular consequence: missense variant. On other transcripts: non-coding transcript variant (3).
Genome position (GRCh38, 1-based): chr7:124,842,809, C>A on the plus strand (G>T on the coding strand, the complement: POT1 is on the minus strand). VCF-style: chr7-124842809-C-A. GRCh37 (hg19) VCF-style: chr7-124482863-C-A.
Other names: c.768G>T, p.Leu256Phe (NM_001042594.2); short protein forms L256F, L387F.
Identifiers: ClinVar variation 660240 (VCV000660240.12), dbSNP rs1584758342, ClinGen allele CA369068072.